The following is an entry in ClinVar:

NM_001099922.3(ALG13):c.1641A>T (p.Gln547His)

Gene: ALG13 (ALG13 UDP-N-acetylglucosaminyltransferase subunit; plus strand). Cytogenetic location: Xq23.
Variant type: single nucleotide variant.
Coding change: c.1641A>T on transcript NM_001099922.3 (MANE Select); coding-DNA position 1641, A replaced by T.
Protein change: p.Gln547His; replaces glutamine 547 with histidine.
Molecular consequence: missense variant. On other transcripts: non-coding transcript variant (1).
Genome position (GRCh38, 1-based): chrX:111,724,973, A>T. VCF-style: chrX-111724973-A-T. GRCh37 (hg19) VCF-style: chrX-110968201-A-T.
Other names: c.1329A>T, p.Gln443His (NM_001257230.2, NM_001257234.2, NM_001257237.2); c.1407A>T, p.Gln469His (NM_001257231.2); c.1641A>T, p.Gln547His (NM_001324292.2); c.1155A>T, p.Gln385His (NM_001324293.1); short protein forms Q443H, Q469H, Q385H, Q547H.
Identifiers: ClinVar variation 1410727 (VCV001410727.7), dbSNP rs768589790, ClinGen allele CA414252199.

ClinVar aggregate classification (germline): Uncertain significance (1 of 4 stars; one submission).

Conditions:
Developmental and epileptic encephalopathy, 36 (DEE36). Also called: Congenital disorder of glycosylation, type Is; Epileptic encephalopathy, early infantile, 36; ALG13-CDG. Identifiers: Orphanet 324422, MedGen C4317295, MONDO:0010472, OMIM 300884.

gnomAD v4.1: 2 of 1,210,949 alleles (0.00017%); highest among the groups gnomAD compares: Non-Finnish European, 0.00022%; no homozygotes.

Submission:

Labcorp Genetics (formerly Invitae), Labcorp
Classification: Uncertain significance for Developmental and epileptic encephalopathy, 36. Last evaluated: 2024-02-24. Review status: criteria provided, single submitter. Criteria: Invitae Variant Classification Sherloc (09022015). Collection method: clinical testing. Allele origin: germline.
Comment: This sequence change replaces glutamine, which is neutral and polar, with histidine, which is basic and polar, at codon 547 of the ALG13 protein (p.Gln547His). This variant is not present in population databases (gnomAD no frequency). This missense change has been observed in individual(s) with ALG13-related conditions (PMID: 27781031). ClinVar contains an entry for this variant (Variation ID: 1410727). An algorithm developed to predict the effect of missense changes on protein structure and function (PolyPhen-2) suggests that this variant is likely to be disruptive. In summary, the available evidence is currently insufficient to determine the role of this variant in disease. Therefore, it has been classified as a Variant of Uncertain Significance.

Literature cited by the submitters: PubMed 27781031.